The following is an entry in ClinVar:

ClinVar aggregate classification (germline): Benign (1 of 4 stars; one submission).

Allele frequency attached by ClinVar (database versions not stated): 1000 Genomes Project 30x 0.00047; TOPMed 0.00056; gnomAD 0.00070.
gnomAD v4.1: 107 of 152,148 alleles (0.07%); highest among the groups gnomAD compares: Non-Finnish European, 0.13%; no homozygotes.

Submission:

CeGaT Center for Human Genetics Tuebingen
Classification: Benign. Last evaluated: 2022-06-01. Review status: criteria provided, single submitter. Criteria: CeGaT Center For Human Genetics Tuebingen Variant Classification Criteria Version 2. Collection method: clinical testing. Allele origin: germline. Affected: yes. Observed: 1 variant allele.
Comment: BRAF: BS1, BS2

NM_004333.6(BRAF):c.1315-388G>T

Gene: BRAF (B-Raf proto-oncogene, serine/threonine kinase; minus strand). Cytogenetic location: 7q34.
Variant type: single nucleotide variant.
Coding change: c.1315-388G>T on transcript NM_004333.6 (MANE Select); 388 bases into the intron before coding-DNA position 1315, G replaced by T.
Molecular consequence: intron variant.
Genome position (GRCh38, 1-based): chr7:140,782,081, C>A on the plus strand (G>T on the coding strand, the complement: BRAF is on the minus strand). VCF-style: chr7-140782081-C-A. GRCh37 (hg19) VCF-style: chr7-140481881-C-A.
Other names: c.1315-388G>T (NM_001378474.1, NM_001378468.1, NM_001354609.2); c.1213-388G>T (NM_001378470.1); c.1051-388G>T (NM_001378475.1); c.1204-388G>T (NM_001378471.1); c.1435-388G>T (NM_001374258.1, NM_001374244.1); c.1324-388G>T (NM_001378467.1); c.1159-388G>T (NM_001378472.1, NM_001378473.1); c.1249-388G>T (NM_001378469.1).
Identifiers: ClinVar variation 2658027 (VCV002658027.24), dbSNP rs535507518, ClinGen allele CA168090991.